The following is an entry in ClinVar:

NM_001012339.3(DNAJC21):c.1186-564T>C

Gene: DNAJC21 (DnaJ heat shock protein family (Hsp40) member C21; plus strand). Cytogenetic location: 5p13.2.
Variant type: single nucleotide variant.
Coding change: c.1186-564T>C on transcript NM_001012339.3 (MANE Select); 564 bases into the intron before coding-DNA position 1186, T replaced by C.
Molecular consequence: intron variant. On other transcripts: missense variant (1).
Genome position (GRCh38, 1-based): chr5:34,949,606, T>C. VCF-style: chr5-34949606-T-C. GRCh37 (hg19) VCF-style: chr5-34949711-T-C.
Other names: c.1249T>C, p.Cys417Arg (NM_194283.4); c.1225-564T>C (NM_001348420.2); short protein forms C417R.
Identifiers: ClinVar variation 4980903 (VCV004980903.1).

ClinVar aggregate classification (germline): Likely benign (1 of 4 stars; one submission).

Conditions:
DNAJC21-related disorder. Also called: DNAJC21-related condition.

gnomAD v4.1: 49 of 1,593,840 alleles (0.0031%); highest among the groups gnomAD compares: East Asian, 0.099%; no homozygotes.

Submission:

PreventionGenetics, part of Exact Sciences
Classification: Likely benign for DNAJC21-related condition. Last evaluated: 2025-04-07. Review status: criteria provided, single submitter. Criteria: ACMG Guidelines, 2015. Collection method: clinical testing. Allele origin: germline.
Comment: This variant is classified as likely benign based on ACMG/AMP sequence variant interpretation guidelines (Richards et al. 2015 PMID: 25741868, with internal and published modifications).